The following is an entry in ClinVar:

NM_024529.5(CDC73):c.*3786T>C

Gene: CDC73 (cell division cycle 73; plus strand). Cytogenetic location: 1q31.2.
Variant type: single nucleotide variant.
Coding change: c.*3786T>C on transcript NM_024529.5 (MANE Select); 3786 bases downstream of the stop codon, T replaced by C.
Molecular consequence: 3 prime UTR variant.
Genome position (GRCh38, 1-based): chr1:193,254,498, T>C. VCF-style: chr1-193254498-T-C. GRCh37 (hg19) VCF-style: chr1-193223628-T-C.
Identifiers: ClinVar variation 294470 (VCV000294470.5), dbSNP rs74130943, ClinGen allele CA10608659.
Genomic context (GRCh38, chr1:193,254,498, plus strand): 5'-GTGGAGAAATGACTAAAGTTGACTTAAGTTAAGAATTGGAGTGGGAATTTTGAAATGCCA[T>C]GTCCTATATATTCTGGCATATTTGTTGGCACATTTGCAAGTATGTTGATCCCAGCATTGT-3'

ClinVar aggregate classification (germline): Benign/Likely benign. Review status: criteria provided, single submitter (1 of 4 stars). 3 submissions from 1 submitter: Benign (2); Likely benign (1). Last evaluated 2018-01-13.

Conditions:
Hyperparathyroidism 1 (HRPT1). Also called: HYPERPARATHYROIDISM, FAMILIAL ISOLATED PRIMARY. Identifiers: Orphanet 99879, MedGen C1840402, MONDO:0007767, OMIM 145000.
Parathyroid carcinoma (PRTC). Also called: Parathyroid gland carcinoma; CDC73-Related Parathyroid Carcinoma. Identifiers: Orphanet 143, MedGen C0687150, MONDO:0012004, OMIM 608266, HP:0006780.
Hyperparathyroidism 2 with jaw tumors. Also called: Hyperparathyroidism 2; HYPERPARATHYROIDISM, FAMILIAL PRIMARY, WITH MULTIPLE OSSIFYING JAW FIBROMAS; HYPERPARATHYROIDISM-JAW TUMOR SYNDROME, HEREDITARY; Hyperparathyroidism-Jaw Tumor Syndrome. Identifiers: Orphanet 99880, MedGen C1704981, MONDO:0007768, OMIM 145001.

Allele frequency attached by ClinVar (database versions not stated): 1000 Genomes Project 0.00100; 1000 Genomes Project 30x 0.00109.
gnomAD v4.1: 343 of 152,216 alleles (0.23%); highest among the groups gnomAD compares: Non-Finnish European, 0.39%; 2 homozygotes.

Submissions (3):

Illumina Laboratory Services, Illumina
Classification: Likely benign for Hyperparathyroidism 1. Last evaluated: 2018-01-13. Review status: criteria provided, single submitter. Criteria: ICSL Variant Classification Criteria 13 December 2019. Collection method: clinical testing. Allele origin: germline.
Comment: This variant was observed in the ICSL laboratory as part of a predisposition screen in an ostensibly healthy population. It had not been previously curated by ICSL or reported in the Human Gene Mutation Database (HGMD: prior to June 1st, 2018), and was therefore a candidate for classification through an automated scoring system. Utilizing variant allele frequency, disease prevalence and penetrance estimates, and inheritance mode, an automated score was calculated to assess if this variant is too frequent to cause the disease. Based on the score and internal cut-off values, a variant classified as likely benign is not then subjected to further curation. The score for this variant resulted in a classification of likely benign for this disease.

Illumina Laboratory Services, Illumina
Classification: Benign for Hyperparathyroidism 2 with jaw tumors. Last evaluated: 2018-01-13. Review status: criteria provided, single submitter. Criteria: ICSL Variant Classification Criteria 13 December 2019. Collection method: clinical testing. Allele origin: germline.
Comment: This variant was observed in the ICSL laboratory as part of a predisposition screen in an ostensibly healthy population. It had not been previously curated by ICSL or reported in the Human Gene Mutation Database (HGMD: prior to June 1st, 2018), and was therefore a candidate for classification through an automated scoring system. Utilizing variant allele frequency, disease prevalence and penetrance estimates, and inheritance mode, an automated score was calculated to assess if this variant is too frequent to cause the disease. Based on the score and internal cut-off values, a variant classified as benign is not then subjected to further curation. The score for this variant resulted in a classification of benign for this disease.

Illumina Laboratory Services, Illumina
Classification: Benign for Parathyroid carcinoma. Last evaluated: 2018-01-13. Review status: criteria provided, single submitter. Criteria: ICSL Variant Classification Criteria 13 December 2019. Collection method: clinical testing. Allele origin: germline.
Comment: the same text as in the submission from Illumina Laboratory Services, Illumina above.